The following is an entry in ClinVar:

ClinVar aggregate classification (germline): Uncertain significance (1 of 4 stars; one submission).

gnomAD v4.1: 7 of 1,614,136 alleles (0.00043%); highest among the groups gnomAD compares: Non-Finnish European, 0.00059%; no homozygotes.

Submission:

Labcorp Genetics (formerly Invitae), Labcorp
Classification: Uncertain significance. Last evaluated: 2025-01-13. Review status: criteria provided, single submitter. Criteria: Invitae Variant Classification Sherloc (09022015). Collection method: clinical testing. Allele origin: germline.
Comment: This sequence change replaces valine, which is neutral and non-polar, with methionine, which is neutral and non-polar, at codon 307 of the COL2A1 protein (p.Val307Met). This variant is not present in population databases (gnomAD no frequency). This variant has not been reported in the literature in individuals affected with COL2A1-related conditions. ClinVar contains an entry for this variant (Variation ID: 1052876). Invitae Evidence Modeling of protein sequence and biophysical properties (such as structural, functional, and spatial information, amino acid conservation, physicochemical variation, residue mobility, and thermodynamic stability) indicates that this missense variant is not expected to disrupt COL2A1 protein function with a negative predictive value of 95%. In summary, the available evidence is currently insufficient to determine the role of this variant in disease. Therefore, it has been classified as a Variant of Uncertain Significance.

NM_001844.5(COL2A1):c.919G>A (p.Val307Met)

Gene: COL2A1 (collagen type II alpha 1 chain; minus strand). Cytogenetic location: 12q13.11.
Variant type: single nucleotide variant.
Coding change: c.919G>A on transcript NM_001844.5 (MANE Select); coding-DNA position 919, G replaced by A.
Protein change: p.Val307Met; replaces valine 307 with methionine.
Molecular consequence: missense variant.
Genome position (GRCh38, 1-based): chr12:47,993,814, C>T on the plus strand (G>A on the coding strand, the complement: COL2A1 is on the minus strand). VCF-style: chr12-47993814-C-T. GRCh37 (hg19) VCF-style: chr12-48387597-C-T.
Other names: c.712G>A, p.Val238Met (NM_033150.3); short protein forms V238M, V307M.
Identifiers: ClinVar variation 1052876 (VCV001052876.9), dbSNP rs2136609377, ClinGen allele CA384521867.